The following is an entry in ClinVar:

NM_001122630.2(CDKN1C):c.826TCG[1] (p.Ser277del)

Gene: CDKN1C (cyclin dependent kinase inhibitor 1C; minus strand). Cytogenetic location: 11p15.4.
Variant type: Microsatellite.
Coding change: c.826TCG[1] on transcript NM_001122630.2 (MANE Select); one copy of the 3-base unit TCG starting at c.826; the reference has two copies in a row; one copy, 3 bases deleted.
Protein change: p.Ser277del; deletes serine 277.
Genome position (GRCh38, 1-based): chr11:2,884,091-2,884,093, CGA deleted on the plus strand (TCG on the coding strand, the reverse complement: CDKN1C is on the minus strand); deleting any 3 consecutive bases within chr11:2,884,091-2,884,097 gives the same sequence; the position shown is the placement nearest the transcript's 3' end. VCF-style (leftmost placement, unchanged base first): chr11-2884090-CCGA-C. GRCh37 (hg19) VCF-style: chr11-2905320-CCGA-C.
Other names: c.826TCG[1], p.Ser277del (NM_001122631.2); c.859TCG[1], p.Ser288del (NM_001362474.2, NM_000076.2); c.294TCG[1], p.Arg100del (NM_001362475.2); short protein forms S277del, R100del, S288del.
Identifiers: ClinVar variation 3706502 (VCV003706502.2).
Genomic context (GRCh38, chr11:2,884,090, plus strand): 5'-GCTCCACCGAGCCCACGCCAGGGGCGGCGCTTGGAGAGGGACACGGCGCGGGGACATCGC[CCGA>C]CGACTTCTCAGGCGCTGATCTCTTGCGCTTGGCGAAGAAATCTGCGGGCGACAGCGCGCG-3'

ClinVar aggregate classification (germline): Uncertain significance (1 of 4 stars; one submission).

Conditions:
Beckwith-Wiedemann syndrome (BWS). Also called: Exomphalos macroglossia gigantism syndrome; EMG SYNDROME. Identifiers: Orphanet 116, MedGen C0004903, MONDO:0007534, OMIM 130650.

Submission:

Labcorp Genetics (formerly Invitae), Labcorp
Classification: Uncertain significance for Beckwith-Wiedemann syndrome. Last evaluated: 2024-05-31. Review status: criteria provided, single submitter. Criteria: Invitae Variant Classification Sherloc (09022015). Collection method: clinical testing. Allele origin: germline.
Comment: This variant, c.862_864del, results in the deletion of 1 amino acid(s) of the CDKN1C protein (p.Ser288del), but otherwise preserves the integrity of the reading frame. This variant is not present in population databases (gnomAD no frequency). This variant has not been reported in the literature in individuals affected with CDKN1C-related conditions. Experimental studies and prediction algorithms are not available or were not evaluated, and the functional significance of this variant is currently unknown. In summary, the available evidence is currently insufficient to determine the role of this variant in disease. Therefore, it has been classified as a Variant of Uncertain Significance.